The following is an entry in ClinVar:

ClinVar aggregate classification (germline): Uncertain significance (1 of 4 stars; one submission).

Conditions:
Inborn genetic diseases. Identifiers: MedGen C0950123, MeSH D030342.

Submission:

Ambry Genetics
Classification: Uncertain significance for Inborn genetic diseases. Last evaluated: 2024-12-30. Review status: criteria provided, single submitter. Criteria: Ambry Variant Classification Scheme 2023. Collection method: clinical testing. Allele origin: germline.
Comment: The p.Y858C variant (also known as c.2573A>G), located in coding exon 21 of the KDM1A gene, results from an A to G substitution at nucleotide position 2573. The tyrosine at codon 858 is replaced by cysteine, an amino acid with highly dissimilar properties. This amino acid position is conserved. In addition, the in silico prediction for this alteration is inconclusive. Based on the available evidence, the clinical significance of this variant remains unclear.

NM_001009999.3(KDM1A):c.2573A>G (p.Tyr858Cys)

Gene: KDM1A (lysine demethylase 1A; plus strand). Cytogenetic location: 1p36.12.
Variant type: single nucleotide variant.
Coding change: c.2573A>G on transcript NM_001009999.3 (MANE Select); coding-DNA position 2573, A replaced by G.
Protein change: p.Tyr858Cys; replaces tyrosine 858 with cysteine.
Molecular consequence: missense variant. On other transcripts: 3 prime UTR variant (1).
Genome position (GRCh38, 1-based): chr1:23,083,306, A>G. VCF-style: chr1-23083306-A-G. GRCh37 (hg19) VCF-style: chr1-23409799-A-G.
Other names: c.2519A>G, p.Tyr840Cys (NM_001363654.2); c.2579A>G, p.Tyr860Cys (NM_001410762.1); c.*821A>G (NM_001410763.1); c.2501A>G, p.Tyr834Cys (NM_015013.4); short protein forms Y840C, Y860C, Y834C, Y858C.
Identifiers: ClinVar variation 3863239 (VCV003863239.1).